The following is an entry in ClinVar:

NM_182914.3(SYNE2):c.18199C>T (p.Gln6067Ter)

Gene: SYNE2 (spectrin repeat containing nuclear envelope protein 2; plus strand). Cytogenetic location: 14q23.2.
Variant type: single nucleotide variant.
Coding change: c.18199C>T on transcript NM_182914.3 (MANE Select); coding-DNA position 18199, C replaced by T.
Protein change: p.Gln6067Ter; replaces glutamine 6067 with a stop codon.
Molecular consequence: nonsense.
Genome position (GRCh38, 1-based): chr14:64,202,961, C>T. VCF-style: chr14-64202961-C-T. GRCh37 (hg19) VCF-style: chr14-64669679-C-T.
Other names: c.18199C>T, p.Gln6067Ter (NM_015180.6); short protein forms Q6067*.
Identifiers: ClinVar variation 2629175 (VCV002629175.1), dbSNP rs2549995881, ClinGen allele CA389945650.

ClinVar aggregate classification (germline): Uncertain significance (1 of 4 stars; one submission).

Conditions:
SYNE2-related disorder. Also called: SYNE2-related condition.

Submission:

PreventionGenetics, part of Exact Sciences
Classification: Uncertain significance for SYNE2-related condition. Last evaluated: 2023-09-22. Review status: criteria provided, single submitter. Criteria: ACMG Guidelines, 2015. Collection method: clinical testing. Allele origin: germline.
Comment: The SYNE2 c.18199C>T variant is predicted to result in premature protein termination (p.Gln6067*). To our knowledge, this variant has not been reported in the literature or in a large population database, indicating this variant is rare. Loss of function is not an established mechanism of SYNE2-related disease. Although we suspect that this variant may be pathogenic, at this time, the clinical significance of this variant is uncertain due to the absence of conclusive functional and genetic evidence.